The following is an entry in ClinVar:

NM_001134363.3(RBM20):c.2692G>C (p.Glu898Gln)

Gene: RBM20 (RNA binding motif protein 20; plus strand). Cytogenetic location: 10q25.2.
Variant type: single nucleotide variant.
Coding change: c.2692G>C on transcript NM_001134363.3 (MANE Select); coding-DNA position 2692, G replaced by C.
Protein change: p.Glu898Gln; replaces glutamic acid 898 with glutamine.
Molecular consequence: missense variant.
Genome position (GRCh38, 1-based): chr10:110,821,311, G>C. VCF-style: chr10-110821311-G-C. GRCh37 (hg19) VCF-style: chr10-112581069-G-C.
Other names: short protein forms E898Q.
Identifiers: ClinVar variation 1952212 (VCV001952212.5), dbSNP rs2493492856, ClinGen allele CA378377165.

ClinVar aggregate classification (germline): Uncertain significance (1 of 4 stars; one submission).

Conditions:
Dilated cardiomyopathy 1DD (CMD1DD). Identifiers: Orphanet 154, MedGen C2750995, MONDO:0013168, OMIM 613172.

Submission:

Labcorp Genetics (formerly Invitae), Labcorp
Classification: Uncertain significance for Dilated cardiomyopathy 1DD. Last evaluated: 2022-04-01. Review status: criteria provided, single submitter. Criteria: Invitae Variant Classification Sherloc (09022015). Collection method: clinical testing. Allele origin: germline.
Comment: In summary, the available evidence is currently insufficient to determine the role of this variant in disease. Therefore, it has been classified as a Variant of Uncertain Significance. Advanced modeling of protein sequence and biophysical properties (such as structural, functional, and spatial information, amino acid conservation, physicochemical variation, residue mobility, and thermodynamic stability) performed at Invitae indicates that this missense variant is not expected to disrupt RBM20 protein function. This variant has not been reported in the literature in individuals affected with RBM20-related conditions. This variant is not present in population databases (gnomAD no frequency). This sequence change replaces glutamic acid, which is acidic and polar, with glutamine, which is neutral and polar, at codon 898 of the RBM20 protein (p.Glu898Gln).